The following is an entry in ClinVar:

ClinVar aggregate classification (germline): Uncertain significance (1 of 4 stars; one submission).

Conditions:
Ehlers-Danlos syndrome, dermatosparaxis type. Also called: Dermatosparaxis; Ehlers-Danlos syndrome, type VII, autosomal recessive; EDS VIIC. Identifiers: Orphanet 1901, MedGen C2700425, MONDO:0009161, OMIM 225410.

Submission:

Labcorp Genetics (formerly Invitae), Labcorp
Classification: Uncertain significance for Ehlers-Danlos syndrome, dermatosparaxis type. Last evaluated: 2025-02-17. Review status: criteria provided, single submitter. Criteria: Invitae Variant Classification Sherloc (09022015). Collection method: clinical testing. Allele origin: germline.
Comment: This sequence change replaces glycine, which is neutral and non-polar, with arginine, which is basic and polar, at codon 716 of the ADAMTS2 protein (p.Gly716Arg). This variant is not present in population databases (gnomAD no frequency). This variant has not been reported in the literature in individuals affected with ADAMTS2-related conditions. ClinVar contains an entry for this variant (Variation ID: 1715332). An algorithm developed to predict the effect of missense changes on protein structure and function (PolyPhen-2) suggests that this variant is likely to be disruptive. In summary, the available evidence is currently insufficient to determine the role of this variant in disease. Therefore, it has been classified as a Variant of Uncertain Significance.

NM_014244.5(ADAMTS2):c.2146G>C (p.Gly716Arg)

Gene: ADAMTS2 (ADAM metallopeptidase with thrombospondin type 1 motif 2; minus strand). Cytogenetic location: 5q35.3.
Variant type: single nucleotide variant.
Coding change: c.2146G>C on transcript NM_014244.5 (MANE Select); coding-DNA position 2146, G replaced by C.
Protein change: p.Gly716Arg; replaces glycine 716 with arginine.
Molecular consequence: missense variant.
Genome position (GRCh38, 1-based): chr5:179,132,840, C>G on the plus strand (G>C on the coding strand, the complement: ADAMTS2 is on the minus strand). VCF-style: chr5-179132840-C-G. GRCh37 (hg19) VCF-style: chr5-178559841-C-G.
Other names: short protein forms G716R.
Identifiers: ClinVar variation 1715332 (VCV001715332.6), dbSNP rs370013405, ClinGen allele CA362425204.